The following is an entry in ClinVar:

ClinVar aggregate classification (germline): Likely benign. Review status: criteria provided, multiple submitters, no conflicts (2 of 4 stars). 5 submissions from 5 submitters: Likely benign (4). 1 of the submissions does not count toward it. Last evaluated 2026-09-01.

Conditions:
KMT2D-related disorder. Also called: KMT2D-Related Disorders.
Kabuki syndrome. Also called: NIIKAWA-KUROKI SYNDROME; Kabuki make-up syndrome. Identifiers: Orphanet 2322, MedGen C0796004, MONDO:0016512.

Allele frequency attached by ClinVar (database versions not stated): gnomAD 0.00006; TOPMed 0.00029; ESP Exome Variant Server 0.00055.
gnomAD v4.1: 516 of 1,611,258 alleles (0.032%); highest among the groups gnomAD compares: Non-Finnish European, 0.041%; no homozygotes.

Submissions (5):

CeGaT Center for Human Genetics Tuebingen
Classification: Likely benign. Last evaluated: 2026-09-01. Review status: criteria provided, single submitter. Criteria: CeGaT Center For Human Genetics Tuebingen Variant Classification Criteria Version 2. Collection method: clinical testing. Allele origin: germline. Affected: yes. Observed: 5 variant alleles.
Comment: KMT2D: BP4, BP7

Labcorp Genetics (formerly Invitae), Labcorp
Classification: Likely benign for Kabuki syndrome. Last evaluated: 2025-11-19. Review status: criteria provided, single submitter. Criteria: Invitae Variant Classification Sherloc (09022015). Collection method: clinical testing. Allele origin: germline.

Blueprint Genetics
Classification: Likely benign. Last evaluated: 2024-10-17. Review status: criteria provided, single submitter. Criteria: ACMG Guidelines, 2015. Collection method: clinical testing. Allele origin: germline.

GeneDx
Classification: Likely benign. Last evaluated: 2021-06-24. Review status: criteria provided, single submitter. Criteria: GeneDx Variant Classification Process June 2021. Collection method: clinical testing. Allele origin: germline. Affected: yes.

PreventionGenetics, part of Exact Sciences
Classification: Likely benign for KMT2D-related condition. Last evaluated: 2021-08-01. Review status: no assertion criteria provided. Collection method: clinical testing. Allele origin: germline. Not counted in ClinVar's aggregate classification.
Comment: This variant is classified as likely benign based on ACMG/AMP sequence variant interpretation guidelines (Richards et al. 2015 PMID: 25741868, with internal and published modifications).

NM_003482.4(KMT2D):c.1725A>T (p.Pro575=)

Gene: KMT2D (lysine methyltransferase 2D; minus strand). Cytogenetic location: 12q13.12.
Variant type: single nucleotide variant.
Coding change: c.1725A>T on transcript NM_003482.4 (MANE Select); coding-DNA position 1725, A replaced by T.
Protein change: p.Pro575=; no amino-acid change (proline 575 retained).
Molecular consequence: synonymous variant.
Genome position (GRCh38, 1-based): chr12:49,051,958, T>A on the plus strand (A>T on the coding strand, the complement: KMT2D is on the minus strand). VCF-style: chr12-49051958-T-A. GRCh37 (hg19) VCF-style: chr12-49445741-T-A.
Identifiers: ClinVar variation 259055 (VCV000259055.35), dbSNP rs371243627, ClinGen allele CA6548430.